The following is an entry in ClinVar:

NM_003640.5(ELP1):c.2797C>T (p.Arg933Trp)

Gene: ELP1 (elongator acetyltransferase complex subunit 1; minus strand). Cytogenetic location: 9q31.3.
Variant type: single nucleotide variant.
Coding change: c.2797C>T on transcript NM_003640.5 (MANE Select); coding-DNA position 2797, C replaced by T.
Protein change: p.Arg933Trp; replaces arginine 933 with tryptophan.
Molecular consequence: missense variant.
Genome position (GRCh38, 1-based): chr9:108,894,006, G>A on the plus strand (C>T on the coding strand, the complement: ELP1 is on the minus strand). VCF-style: chr9-108894006-G-A. GRCh37 (hg19) VCF-style: chr9-111656286-G-A.
Other names: p.Arg933Trp; c.2797C>T (LRG_251t1); c.2455C>T, p.Arg819Trp (NM_001318360.2); c.1750C>T, p.Arg584Trp (NM_001330749.2); short protein forms R584W, R819W, R933W.
Identifiers: ClinVar variation 655332 (VCV000655332.9), dbSNP rs763312635, ClinGen allele CA5174538.

ClinVar aggregate classification (germline): Uncertain significance. Review status: criteria provided, multiple submitters, no conflicts (2 of 4 stars). 6 submissions from 6 submitters: Uncertain significance (5). 1 of the submissions does not count toward it. Last evaluated 2025-03-07.

Conditions:
Medulloblastoma (MDB). Also called: MEDULLOBLASTOMA PREDISPOSITION SYNDROME; Medulloblastoma, somatic. Identifiers: Orphanet 616, MedGen C0025149, MeSH D008527, MONDO:0007959, OMIM 155255, HP:0002885.
Familial dysautonomia. Also called: FD; HSAN III. Identifiers: Orphanet 1764, MedGen C0013364, MONDO:0009131, OMIM 223900. Disease mechanism: loss of function.

Allele frequency attached by ClinVar (database versions not stated): gnomAD 0.00002; gnomAD exomes 0.00003 and 0.00009; ExAC 0.00008; TOPMed 0.00008.
gnomAD v4.1: 46 of 1,600,106 alleles (0.0029%); highest among the groups gnomAD compares: East Asian, 0.063%; no homozygotes.

Submissions (6):

Ambry Genetics
Classification: Uncertain significance. Last evaluated: 2025-03-07. Review status: criteria provided, single submitter. Criteria: Ambry Variant Classification Scheme 2023. Collection method: clinical testing. Allele origin: germline.

Labcorp Genetics (formerly Invitae), Labcorp
Classification: Uncertain significance. Last evaluated: 2025-01-29. Review status: criteria provided, single submitter. Criteria: Invitae Variant Classification Sherloc (09022015). Collection method: clinical testing. Allele origin: germline.
Comment: This sequence change replaces arginine, which is basic and polar, with tryptophan, which is neutral and slightly polar, at codon 933 of the ELP1 protein (p.Arg933Trp). This variant is present in population databases (rs763312635, gnomAD 0.1%). This variant has not been reported in the literature in individuals affected with ELP1-related conditions. ClinVar contains an entry for this variant (Variation ID: 655332). Invitae Evidence Modeling of protein sequence and biophysical properties (such as structural, functional, and spatial information, amino acid conservation, physicochemical variation, residue mobility, and thermodynamic stability) indicates that this missense variant is expected to disrupt ELP1 protein function with a positive predictive value of 80%. In summary, the available evidence is currently insufficient to determine the role of this variant in disease. Therefore, it has been classified as a Variant of Uncertain Significance.

Mayo Clinic Laboratories, Mayo Clinic
Classification: Uncertain significance. Last evaluated: 2024-12-26. Review status: criteria provided, single submitter. Criteria: ACMG Guidelines, 2015. Collection method: clinical testing. Allele origin: germline. Observed: 1 variant allele.
Comment: BS1

Fulgent Genetics
Classification: Uncertain significance for Medulloblastoma; Familial dysautonomia. Last evaluated: 2022-02-09. Review status: criteria provided, single submitter. Criteria: ACMG Guidelines, 2015. Collection method: clinical testing. Allele origin: unknown.

Breakthrough Genomics
Classification: Uncertain significance. Review status: criteria provided, single submitter. Criteria: ACMG Guidelines, 2015. Collection method: not provided. Allele origin: germline. Inheritance: Autosomal recessive inheritance. Affected: yes.

Natera, Inc.
Classification: Uncertain significance for Familial dysautonomia. Last evaluated: 2020-09-16. Review status: no assertion criteria provided. Collection method: clinical testing. Allele origin: germline. Not counted in ClinVar's aggregate classification.